The following is an entry in ClinVar:

ClinVar aggregate classification (germline): Likely benign. Review status: criteria provided, multiple submitters, no conflicts (2 of 4 stars). 3 submissions from 3 submitters: Likely benign (3). Last evaluated 2025-11-26.

Conditions:
Congenital adrenal insufficiency with 46, XY sex reversal OR 46,XY disorder of sex development-adrenal insufficiency due to CYP11A1 deficiency. Also called: Congenital adrenal insuffiency with 46, XY sex reversal OR 46,XY disorder of sex development-adrenal insufficiency due to CYP11A1 deficiency; P450scc DEFICIENCY. Identifiers: Orphanet 168558, MedGen C3151055, MONDO:0013400, OMIM 613743.
CYP11A1-related disorder. Also called: CYP11A1-related condition.

Allele frequency attached by ClinVar (database versions not stated): gnomAD exomes 0.00003 and 0.00006; ExAC 0.00005; ESP Exome Variant Server 0.00008; 1000 Genomes Project 0.00020; TOPMed 0.00025; gnomAD 0.00029 and 0.00031; 1000 Genomes Project 30x 0.00031.
gnomAD v4.1: 84 of 1,614,162 alleles (0.0052%); highest among the groups gnomAD compares: African/African-American, 0.084%; no homozygotes.

Submissions (3):

PreventionGenetics, part of Exact Sciences
Classification: Likely benign for CYP11A1-related condition. Last evaluated: 2025-11-26. Review status: criteria provided, single submitter. Criteria: ACMG Guidelines, 2015. Collection method: clinical testing. Allele origin: germline.
Comment: This variant is classified as likely benign based on ACMG/AMP sequence variant interpretation guidelines (Richards et al. 2015 PMID: 25741868, with internal and published modifications).

Labcorp Genetics (formerly Invitae), Labcorp
Classification: Likely benign. Last evaluated: 2025-11-15. Review status: criteria provided, single submitter. Criteria: Invitae Variant Classification Sherloc (09022015). Collection method: clinical testing. Allele origin: germline.

Fulgent Genetics
Classification: Likely benign for Congenital adrenal insufficiency with 46, XY sex reversal OR 46,XY disorder of sex development-adrenal insufficiency due to CYP11A1 deficiency. Last evaluated: 2022-04-29. Review status: criteria provided, single submitter. Criteria: ACMG Guidelines, 2015. Collection method: clinical testing. Allele origin: unknown.

NM_000781.3(CYP11A1):c.1290C>T (p.Phe430=)

Gene: CYP11A1 (cytochrome P450 family 11 subfamily A member 1; minus strand). Cytogenetic location: 15q24.1.
Variant type: single nucleotide variant.
Coding change: c.1290C>T on transcript NM_000781.3 (MANE Select); coding-DNA position 1290, C replaced by T.
Protein change: p.Phe430=; no amino-acid change (phenylalanine 430 retained).
Molecular consequence: synonymous variant.
Genome position (GRCh38, 1-based): chr15:74,338,715, G>A on the plus strand (C>T on the coding strand, the complement: CYP11A1 is on the minus strand). VCF-style: chr15-74338715-G-A. GRCh37 (hg19) VCF-style: chr15-74631056-G-A.
Other names: c.816C>T, p.Phe272= (NM_001099773.2).
Identifiers: ClinVar variation 722882 (VCV000722882.9), dbSNP rs147405344, ClinGen allele CA7656301.
Genomic context (GRCh38, chr15:74,338,715, plus strand): 5'-GAAGTAGGTGATGTTCTTGTCTTTGCTCAGCCATCGGGTTGGGTCAAAATTTTCCGGGTC[G>A]AAGAAGAAGGTGGGCTCTCGGCCCAGAGCATAGATGGCCACTTGCACCAGTGTCTGGGGC-3'
Protein context (NP_000772.2, residues 420-440): YALGREPTFF[Phe430=]DPENFDPTRW